The following is an entry in ClinVar:

NM_014855.3(AP5Z1):c.2079dup (p.Pro694fs)

Gene: AP5Z1 (adaptor related protein complex 5 subunit zeta 1; plus strand). Cytogenetic location: 7p22.1.
Variant type: Duplication.
Coding change: c.2079dup on transcript NM_014855.3 (MANE Select); coding-DNA position 2079, one base duplicated (T; older notation c.2079dupT).
Protein change: p.Pro694fs; shifts the reading frame from proline 694.
Molecular consequence: frameshift variant. On other transcripts: non-coding transcript variant (1).
Genome position (GRCh38, 1-based): chr7:4,790,813, T duplicated. VCF-style (leftmost placement, unchanged base first): chr7-4790812-G-GT. GRCh37 (hg19) VCF-style: chr7-4830443-G-GT.
Other names: c.1611dup, p.Pro538fs (NM_001364858.1); short protein forms P694fs, P538fs.
Identifiers: ClinVar variation 1959295 (VCV001959295.5), dbSNP rs1562414999, ClinGen allele CA572819215.

ClinVar aggregate classification (germline): Uncertain significance (1 of 4 stars; one submission).

Conditions:
Hereditary spastic paraplegia 48. Also called: Spastic paraplegia 48; SPASTIC PARAPLEGIA 48, AUTOSOMAL RECESSIVE. Identifiers: Orphanet 306511, MedGen C3150901, MONDO:0013342, OMIM 613647.

Allele frequency attached by ClinVar (database versions not stated): gnomAD exomes below 0.00001.

Submission:

Labcorp Genetics (formerly Invitae), Labcorp
Classification: Uncertain significance for Hereditary spastic paraplegia 48. Last evaluated: 2022-08-09. Review status: criteria provided, single submitter. Criteria: Invitae Variant Classification Sherloc (09022015). Collection method: clinical testing. Allele origin: germline.
Comment: This variant has not been reported in the literature in individuals affected with AP5Z1-related conditions. In summary, the available evidence is currently insufficient to determine the role of this variant in disease. Therefore, it has been classified as a Variant of Uncertain Significance. This variant disrupts a region of the AP5Z1 protein in which other variant(s) (p.Val763Met) have been observed in individuals with AP5Z1-related conditions (PMID: 30564185). This suggests that this is a clinically significant region of the protein, and that variants that disrupt it are likely to be disease-causing. This variant is present in population databases (no rsID available, gnomAD 0.003%). This sequence change creates a premature translational stop signal (p.Pro694Serfs*69) in the AP5Z1 gene. While this is not anticipated to result in nonsense mediated decay, it is expected to disrupt the last 114 amino acid(s) of the AP5Z1 protein.

Literature cited by the submitters: PubMed 30564185.